The following is an entry in ClinVar:

NM_000091.5(COL4A3):c.3227C>T (p.Pro1076Leu)

Genes: COL4A3 (collagen type IV alpha 3 chain; plus strand), MFF-DT (MFF divergent transcript; minus strand). Cytogenetic location: 2q36.3.
Variant type: single nucleotide variant.
Coding change: c.3227C>T on transcript NM_000091.5 (MANE Select); coding-DNA position 3227, C replaced by T.
Protein change: p.Pro1076Leu; replaces proline 1076 with leucine.
Molecular consequence: missense variant.
Genome position (GRCh38, 1-based): chr2:227,293,207, C>T. VCF-style: chr2-227293207-C-T. GRCh37 (hg19) VCF-style: chr2-228157923-C-T.
Other names: p.Pro1076Leu; c.3227C>T (NM_000091.4); short protein forms P1076L.
Identifiers: ClinVar variation 1310278 (VCV001310278.16), dbSNP rs200984988, ClinGen allele CA2147158.

ClinVar aggregate classification (germline): Uncertain significance. Review status: criteria provided, multiple submitters, no conflicts (2 of 4 stars). 8 submissions from 8 submitters: Uncertain significance (8). Last evaluated 2026-09-17.

Conditions:
Autosomal dominant Alport syndrome (ATS3A). Also called: Renal failure and sensorineural hearing loss; Alport syndrome dominant type; ALPORT SYNDROME 3A, AUTOSOMAL DOMINANT. Identifiers: Orphanet 63, Orphanet 88918, MedGen C5882663, MONDO:0007086, OMIM 104200.
Alport syndrome 3b, autosomal recessive. Identifiers: MedGen C5882699, MONDO:0957811, OMIM 620536.
Hematuria, benign familial, 2 (BFH2). Identifiers: MedGen C5830421, MONDO:0958186, OMIM 620320.
COL4A3-related disorder. Also called: COL4A3-Related Disorders; COL4A3-related condition.

Allele frequency attached by ClinVar (database versions not stated): ExAC 0.00007; gnomAD exomes 0.00008 and 0.00011; gnomAD 0.00010 and 0.00011; TOPMed 0.00011; ESP Exome Variant Server 0.00017.
gnomAD v4.1: 177 of 1,613,676 alleles (0.011%); highest among the groups gnomAD compares: African/African-American, 0.017%; no homozygotes.

Submissions (8):

GeneDx
Classification: Uncertain significance. Last evaluated: 2026-09-17. Review status: criteria provided, single submitter. Criteria: GeneDx Variant Classification Process June 2021. Collection method: clinical testing. Allele origin: germline.
Comment: Reported in the heterozygous state in multiple affected individuals with hearing loss, pigmented retinopathy and normal renal function within a single family in published literature (PMID: 30881523); In silico analysis supports that this missense variant has a deleterious effect on protein structure/function; Occurs in the triple helical domain at the Y position in the canonical Gly-X-Y repeat; although this variant may have an effect on normal protein folding and function, missense substitution at the Y position is not a common mechanism of disease; This variant is associated with the following publications: (PMID: 30881523)

Women's Health and Genetics/Laboratory Corporation of America, LabCorp
Classification: Uncertain significance. Last evaluated: 2026-05-04. Review status: criteria provided, single submitter. Criteria: LabCorp Variant Classification Summary - May 2015. Collection method: clinical testing. Allele origin: germline.
Comment: Variant summary: COL4A3 c.3227C>T (p.Pro1076Leu) results in a non-conservative amino acid change located in the Collagen triple helix repeat domain (IPR008160) of the encoded protein sequence. Five of five in-silico tools predict a damaging effect of the variant on protein function. The variant allele was found at a frequency of 7.6e-05 in 249500 control chromosomes (gnomAD). This frequency is not significantly higher than estimated for a pathogenic variant in COL4A3 causing Alport Syndrome, Autosomal Recessive (7.6e-05 vs 0.0014), allowing no conclusion about variant significance. c.3227C>T has been reported in the literature in several heterozygous family members affected with hearing loss and ocular abnormalities, however none of the carriers were affected with hematuria, proteinuria, or impaired renal function (e.g., Xia_2019). This report therefore does not provide unequivocal conclusions about association of the variant with Alport Syndrome, Autosomal Recessive. To our knowledge, no experimental evidence demonstrating an impact on protein function has been reported. The following publications have been ascertained in the context of this evaluation (PMID: 36013122, 33851121, 30881523). ClinVar contains an entry for this variant (Variation ID: 1310278). Based on the evidence outlined above, the variant was classified as uncertain significance.

PreventionGenetics, part of Exact Sciences
Classification: Uncertain significance for COL4A3-related condition. Last evaluated: 2026-01-12. Review status: criteria provided, single submitter. Criteria: ACMG Guidelines, 2015. Collection method: clinical testing. Allele origin: germline.
Comment: The COL4A3 c.3227C>T variant is predicted to result in the amino acid substitution p.Pro1076Leu. This variant was reported in individuals of a family with hearing loss and eye abnormalities, but no renal features (Xia et al. 2019. PubMed ID: 30881523). This variant is reported in 0.017% of alleles in individuals of African descent in gnomAD. At this time, the clinical significance of this variant is uncertain due to the absence of conclusive functional and genetic evidence.

Mayo Clinic Laboratories, Mayo Clinic
Classification: Uncertain significance. Last evaluated: 2025-08-17. Review status: criteria provided, single submitter. Criteria: ACMG Guidelines, 2015. Collection method: clinical testing. Allele origin: germline. Observed: 1 variant allele.
Comment: PP1, PP3, PS4_supporting

Blueprint Genetics
Classification: Uncertain significance. Last evaluated: 2024-11-26. Review status: criteria provided, single submitter. Criteria: ACMG Guidelines, 2015. Collection method: clinical testing. Allele origin: germline.

Labcorp Genetics (formerly Invitae), Labcorp
Classification: Uncertain significance. Last evaluated: 2024-03-19. Review status: criteria provided, single submitter. Criteria: Invitae Variant Classification Sherloc (09022015). Collection method: clinical testing. Allele origin: germline.
Comment: This sequence change replaces proline, which is neutral and non-polar, with leucine, which is neutral and non-polar, at codon 1076 of the COL4A3 protein (p.Pro1076Leu). This variant is present in population databases (rs200984988, gnomAD 0.02%). This missense change has been observed in individual(s) with hearing loss and eye abnormalities, but without hematuria (PMID: 30881523). ClinVar contains an entry for this variant (Variation ID: 1310278). Advanced modeling of protein sequence and biophysical properties (such as structural, functional, and spatial information, amino acid conservation, physicochemical variation, residue mobility, and thermodynamic stability) has been performed at Invitae for this missense variant, however the output from this modeling did not meet the statistical confidence thresholds required to predict the impact of this variant on COL4A3 protein function. In summary, the available evidence is currently insufficient to determine the role of this variant in disease. Therefore, it has been classified as a Variant of Uncertain Significance.

Fulgent Genetics
Classification: Uncertain significance for Autosomal dominant Alport syndrome; Hematuria, benign familial, 2; Alport syndrome 3b, autosomal recessive. Last evaluated: 2024-03-12. Review status: criteria provided, single submitter. Criteria: ACMG Guidelines, 2015. Collection method: clinical testing. Allele origin: germline.

Clinical Genomics Laboratory, Stanford Medicine
Classification: Uncertain significance for Autosomal dominant Alport syndrome; Alport syndrome 3b, autosomal recessive; Hematuria, benign familial, 2. Last evaluated: 2023-01-24. Review status: criteria provided, single submitter. Criteria: ACMG Guidelines, 2015. Collection method: clinical testing. Allele origin: germline. Observed: 1 variant allele, 1 heterozygote.
Comment: Additional associated condition of focal and segmental glomerulosclerosis, autosomal dominant

Literature cited by the submitters: PubMed 30881523 (cited by 3 submitters); PubMed 33851121 (cited by Women's Health and Genetics/Laboratory Corporation of America, LabCorp); PubMed 36013122 (cited by Women's Health and Genetics/Laboratory Corporation of America, LabCorp).